The following is an entry in ClinVar:

ClinVar aggregate classification (germline): Benign/Likely benign. Review status: criteria provided, multiple submitters, no conflicts (2 of 4 stars). 11 submissions from 11 submitters: Benign (3); Likely benign (8). Last evaluated 2025-12-03.

Conditions:
Isolated focal cortical dysplasia type II (FCORD2). Also called: CORTICAL DYSPLASIA OF TAYLOR; Focal cortical dysplasia type II. Identifiers: Orphanet 268994, MedGen C1846385, MONDO:0011818, OMIM 607341, HP:0032051.
Lymphangiomyomatosis (LAM). Also called: Lymphangioleiomyomatosis, somatic; Lymphangioleiomyomatosis. Identifiers: Orphanet 538, MedGen C0751674, MONDO:0011705, OMIM 606690.
Tuberous sclerosis 2 (TSC2). Identifiers: Orphanet 805, MedGen C1860707, MONDO:0013199, OMIM 613254.
Hereditary cancer-predisposing syndrome. Also called: Hereditary neoplastic syndrome; Tumor predisposition; Neoplastic Syndromes, Hereditary; Hereditary Cancer Syndrome. Identifiers: Orphanet 140162, MedGen C0027672, MeSH D009386, MONDO:0015356.
Tuberous sclerosis syndrome (TSC). Also called: Tuberous sclerosis; Tuberous Sclerosis Complex. Identifiers: Orphanet 805, MedGen C0041341, MONDO:0001734.

Allele frequency attached by ClinVar (database versions not stated): gnomAD exomes 0.00002; TOPMed 0.00002; gnomAD 0.00004 and 0.00005.

Submissions (11):

Labcorp Genetics (formerly Invitae), Labcorp
Classification: Benign for Tuberous sclerosis 2. Last evaluated: 2025-12-03. Review status: criteria provided, single submitter. Criteria: Invitae Variant Classification Sherloc (09022015). Collection method: clinical testing. Allele origin: germline.

Mayo Clinic Laboratories, Mayo Clinic
Classification: Likely benign. Last evaluated: 2025-10-11. Review status: criteria provided, single submitter. Criteria: ACMG Guidelines, 2015. Collection method: clinical testing. Allele origin: germline. Observed: 1 variant allele.
Comment: BS1, BP4, BP7

Myriad Genetics, Inc.
Classification: Benign for Tuberous sclerosis 2. Last evaluated: 2025-06-03. Review status: criteria provided, single submitter. Criteria: Myriad Autosomal Dominant, Autosomal Recessive and X-Linked Classification Criteria (2023). Collection method: clinical testing. Allele origin: unknown.
Comment: This variant is considered benign. This variant is a silent/synonymous amino acid change and it is not expected to impact splicing.

All of Us Research Program, National Institutes of Health
Classification: Likely benign for Tuberous sclerosis syndrome. Last evaluated: 2024-09-26. Review status: criteria provided, single submitter. Criteria: ACMG Guidelines, 2015. Collection method: clinical testing. Allele origin: germline. Inheritance: Autosomal dominant inheritance. Observed: 6 variant alleles, 6 heterozygotes.
Comment: This study involves interpretation of variants in research participants for the purpose of population health screening. Participant phenotype was not available at the time of variant classification. Additional details can be found in publication PMID: 35346344, PMCID: PMC8962531

Department of Pathology and Laboratory Medicine, Sinai Health System
Classification: Likely benign for Lymphangiomyomatosis; Isolated focal cortical dysplasia type II; Tuberous sclerosis 2. Last evaluated: 2022-12-08. Review status: criteria provided, single submitter. Criteria: ACMG Guidelines, 2015. Collection method: clinical testing. Allele origin: germline. Affected: yes.

Color Diagnostics, LLC DBA Color Health
Classification: Likely benign for Tuberous sclerosis syndrome. Last evaluated: 2022-10-07. Review status: criteria provided, single submitter. Criteria: ACMG Guidelines, 2015. Collection method: clinical testing. Allele origin: germline.

Fulgent Genetics
Classification: Likely benign for Lymphangiomyomatosis; Isolated focal cortical dysplasia type II; Tuberous sclerosis 2. Last evaluated: 2022-03-22. Review status: criteria provided, single submitter. Criteria: ACMG Guidelines, 2015. Collection method: clinical testing. Allele origin: unknown.

Sema4
Classification: Likely benign for Hereditary cancer-predisposing syndrome. Last evaluated: 2021-11-10. Review status: criteria provided, single submitter. Criteria: Sema4 Curation Guidelines. Collection method: curation. Allele origin: germline.

Genome-Nilou Lab
Classification: Benign for Tuberous sclerosis 2. Last evaluated: 2021-11-07. Review status: criteria provided, single submitter. Criteria: ACMG Guidelines, 2015. Collection method: clinical testing. Allele origin: germline. Affected: no.

GeneDx
Classification: Likely benign. Last evaluated: 2020-04-01. Review status: criteria provided, single submitter. Criteria: GeneDx Variant Classification Process June 2021. Collection method: clinical testing. Allele origin: germline. Affected: yes.

Ambry Genetics
Classification: Likely benign for Hereditary cancer-predisposing syndrome. Last evaluated: 2018-05-10. Review status: criteria provided, single submitter. Criteria: Ambry Variant Classification Scheme 2023. Collection method: clinical testing. Allele origin: germline.

NM_000548.5(TSC2):c.4392C>T (p.Ser1464=)

Gene: TSC2 (TSC complex subunit 2; plus strand). Cytogenetic location: 16p13.3.
Variant type: single nucleotide variant.
Coding change: c.4392C>T on transcript NM_000548.5 (MANE Select); coding-DNA position 4392, C replaced by T.
Protein change: p.Ser1464=; no amino-acid change (serine 1464 retained).
Molecular consequence: synonymous variant.
Genome position (GRCh38, 1-based): chr16:2,084,614, C>T. VCF-style: chr16-2084614-C-T. GRCh37 (hg19) VCF-style: chr16-2134615-C-T.
Other names: p.Ser1464=; c.4191C>T, p.Ser1397= (NM_001077183.3); c.4323C>T, p.Ser1441= (NM_001114382.3); c.4083C>T, p.Ser1361= (NM_001318827.2); c.4047C>T, p.Ser1349= (NM_001318829.2); c.3660C>T, p.Ser1220= (NM_001318831.2); c.4224C>T, p.Ser1408= (NM_001318832.2); c.4194C>T, p.Ser1398= (NM_001363528.2); and 2 more.
Identifiers: ClinVar variation 378789 (VCV000378789.27), dbSNP rs528080018, ClinGen allele CA16606958.